The following is an entry in ClinVar:

ClinVar aggregate classification (germline): Likely benign. Review status: criteria provided, multiple submitters, no conflicts (2 of 4 stars). 2 submissions from 2 submitters: Likely benign (2). Last evaluated 2024-10-23.

Conditions:
Charcot-Marie-Tooth disease axonal type 2O. Also called: CHARCOT-MARIE-TOOTH NEUROPATHY, AXONAL, TYPE 2O; CHARCOT-MARIE-TOOTH DISEASE, AXONAL, AUTOSOMAL DOMINANT, TYPE 2O; Charcot-Marie-Tooth disease, axonal, type 20; Charcot-Marie-Tooth Neuropathy Type 2O. Identifiers: Orphanet 284232, MedGen C3280220, MONDO:0013644, OMIM 614228.

Allele frequency attached by ClinVar (database versions not stated): gnomAD 0.00001; gnomAD exomes 0.00001 and below 0.00001; TOPMed below 0.00001; ExAC 0.00001.
gnomAD v4.1: 23 of 1,613,880 alleles (0.0014%); highest among the groups gnomAD compares: Non-Finnish European, 0.0017%; no homozygotes.

Submissions (2):

Labcorp Genetics (formerly Invitae), Labcorp
Classification: Likely benign for Charcot-Marie-Tooth disease axonal type 2O. Last evaluated: 2024-10-23. Review status: criteria provided, single submitter. Criteria: Invitae Variant Classification Sherloc (09022015). Collection method: clinical testing. Allele origin: germline.

GeneDx
Classification: Likely benign. Last evaluated: 2016-11-08. Review status: criteria provided, single submitter. Criteria: GeneDx Variant Classification (06012015). Collection method: clinical testing. Allele origin: germline. Affected: yes.
Comment: This variant is considered likely benign or benign based on one or more of the following criteria: it is a conservative change, it occurs at a poorly conserved position in the protein, it is predicted to be benign by multiple in silico algorithms, and/or has population frequency not consistent with disease.

NM_001376.5(DYNC1H1):c.5316T>C (p.Gly1772=)

Gene: DYNC1H1 (dynein cytoplasmic 1 heavy chain 1; plus strand). Cytogenetic location: 14q32.31.
Variant type: single nucleotide variant.
Coding change: c.5316T>C on transcript NM_001376.5 (MANE Select); coding-DNA position 5316, T replaced by C.
Protein change: p.Gly1772=; no amino-acid change (glycine 1772 retained).
Molecular consequence: synonymous variant.
Genome position (GRCh38, 1-based): chr14:102,005,119, T>C. VCF-style: chr14-102005119-T-C. GRCh37 (hg19) VCF-style: chr14-102471456-T-C.
Identifiers: ClinVar variation 390759 (VCV000390759.10), dbSNP rs761933814, ClinGen allele CA7352400.